The following is an entry in ClinVar:

NM_000219.6(KCNE1):c.228C>G (p.Asp76Glu)

Gene: KCNE1 (potassium voltage-gated channel subfamily E regulatory subunit 1; minus strand). Cytogenetic location: 21q22.12.
Variant type: single nucleotide variant.
Coding change: c.228C>G on transcript NM_000219.6 (MANE Select); coding-DNA position 228, C replaced by G.
Protein change: p.Asp76Glu; replaces aspartic acid 76 with glutamic acid.
Molecular consequence: missense variant.
Genome position (GRCh38, 1-based): chr21:34,449,407, G>C on the plus strand (C>G on the coding strand, the complement: KCNE1 is on the minus strand). VCF-style: chr21-34449407-G-C. GRCh37 (hg19) VCF-style: chr21-35821705-G-C.
Other names: c.228C>G, p.Asp76Glu (NM_001127668.4, NM_001127669.4, NM_001127670.4 and 4 more transcripts); short protein forms D76E.
Identifiers: ClinVar variation 3374378 (VCV003374378.2).
Genomic context (GRCh38, chr21:34,449,407, plus strand): 5'-CTGGACATAGGCCTTGTCCTTCTCTTGCCAGGCATCGGACTCGATGTAGACGTTGAATGG[G>C]TCGTTCGAGTGCTCCAGCTTCTTGGAGCGGATGTAGCTCAGCATGATGCCCAGGGTGAAG-3'
Protein context (NP_000210.2, residues 66-86): IRSKKLEHSN[Asp76Glu]PFNVYIESDA

Conditions:
Long QT syndrome 5 (LQT5). Identifiers: Orphanet 101016, Orphanet 768, MedGen C1867904, MONDO:0013372, OMIM 613695.

Submission:

Roden Lab, Vanderbilt University Medical Center
No classification provided (evidence only). Condition: Long QT syndrome 5. Review status: no classification provided. Collection method: in vitro. Allele origin: not applicable. Functional consequence: Effect on ion channel function.
ClinVar note: "not provided" was previously submitted as the classification for the variant. However, the classification appeared to be based only on an observation of functional data so it was converted to no classification on 2025-07-30.